The following is an entry in ClinVar:

ClinVar aggregate classification (germline): Conflicting classifications of pathogenicity. Review status: criteria provided, conflicting classifications (1 of 4 stars). 2 submissions from 2 submitters: Pathogenic (1); Uncertain significance (1). Last evaluated 2026-08-20.

gnomAD v4.1: 20 of 1,613,976 alleles (0.0012%); highest among the groups gnomAD compares: Non-Finnish European, 0.0015%; no homozygotes.

Submissions (2):

GeneDx
Classification: Uncertain significance. Last evaluated: 2026-08-20. Review status: criteria provided, single submitter. Criteria: GeneDx Variant Classification Process June 2021. Collection method: clinical testing. Allele origin: germline.
Comment: Nonsense variant predicted to result in protein truncation or nonsense mediated decay in a gene for which loss of function is a known mechanism of disease; Has not been previously published as pathogenic or benign in association with DUOX2-related hypothyroidism to our knowledge; This variant is associated with the following publications: (PMID: 34200080, 33651715)

Labcorp Genetics (formerly Invitae), Labcorp
Classification: Pathogenic. Last evaluated: 2026-01-05. Review status: criteria provided, single submitter. Criteria: Invitae Variant Classification Sherloc (09022015). Collection method: clinical testing. Allele origin: germline.
Comment: This sequence change creates a premature translational stop signal (p.Cys804*) in the DUOX2 gene. It is expected to result in an absent or disrupted protein product. Loss-of-function variants in DUOX2 are known to be pathogenic (PMID: 12110737, 18765513, 21565790, 24423310, 24735383). This variant is present in population databases (rs376911583, gnomAD 0.004%). This premature translational stop signal has been observed in individual(s) with congenital hypothyroidism (PMID: 34200080). ClinVar contains an entry for this variant (Variation ID: 2178733). For these reasons, this variant has been classified as Pathogenic.

Literature cited by the submitters: PubMed 12110737 (cited by Labcorp Genetics (formerly Invitae), Labcorp); PubMed 18765513 (cited by Labcorp Genetics (formerly Invitae), Labcorp); PubMed 21565790 (cited by Labcorp Genetics (formerly Invitae), Labcorp); PubMed 24423310 (cited by Labcorp Genetics (formerly Invitae), Labcorp); PubMed 24735383 (cited by Labcorp Genetics (formerly Invitae), Labcorp); PubMed 34200080 (cited by Labcorp Genetics (formerly Invitae), Labcorp).

NM_001363711.2(DUOX2):c.2412C>A (p.Cys804Ter)

Gene: DUOX2 (dual oxidase 2; minus strand). Cytogenetic location: 15q21.1.
Variant type: single nucleotide variant.
Coding change: c.2412C>A on transcript NM_001363711.2 (MANE Select); coding-DNA position 2412, C replaced by A.
Protein change: p.Cys804Ter; replaces cysteine 804 with a stop codon.
Molecular consequence: nonsense.
Genome position (GRCh38, 1-based): chr15:45,104,288, G>T on the plus strand (C>A on the coding strand, the complement: DUOX2 is on the minus strand). VCF-style: chr15-45104288-G-T. GRCh37 (hg19) VCF-style: chr15-45396486-G-T.
Other names: c.2412C>A (NM_014080.4); c.2412C>A, p.Cys804Ter (NM_014080.5); short protein forms C804*.
Identifiers: ClinVar variation 2178733 (VCV002178733.6), dbSNP rs376911583, ClinGen allele CA7538258.